The following is an entry in ClinVar:

ClinVar aggregate classification (germline): Pathogenic. Review status: criteria provided, multiple submitters, no conflicts (2 of 4 stars). 2 submissions from 2 submitters: Pathogenic (2). Last evaluated 2024-03-22.

Conditions:
Pseudo-Hurler polydystrophy. Also called: ML III; ML III ALPHA/BETA; MUCOLIPIDOSIS IIIA; Type III Mucolipidosis; ML IIIA; Mucolipidosis III Alpha/Beta. Identifiers: Orphanet 423461, Orphanet 577, MedGen C0033788, MONDO:0018931, OMIM 252600.
Mucolipidosis type II. Also called: ML II ALPHA/BETA; Mucolipidosis 2; ML 2; Inclusion cell disease; Leroy Disease; N-acetylglucosamine 1phosphotransferase deficiency. Identifiers: Orphanet 576, MedGen C2673377, MONDO:0009650, OMIM 252500.

Allele frequency attached by ClinVar (database versions not stated): gnomAD exomes 0.00001 and below 0.00001.

Submissions (2):

Natera, Inc.
Classification: Pathogenic for Mucolipidosis type II. Last evaluated: 2024-03-22. Review status: criteria provided, single submitter. Criteria: Natera Variant Classification Schema (03/2026). Collection method: clinical testing. Allele origin: germline.
Comment: The c.2213C>A variant in GNPTAB is a nonsense variant predicted to introduce a stop codon at amino acid 738. This variant is expected to result in nonsense mediated decay, truncation, or a dysfunctional protein product. This variant is rare in the general population with a frequency below the threshold expected for the associated phenotype(s). This variant has been observed in one or more individuals affected with the associated recessive disease, as either homozygous or compound heterozygous with a second variant (PMID: 27662472, 27239697). Given the available evidence, this variant is classified as Pathogenic.

Labcorp Genetics (formerly Invitae), Labcorp
Classification: Pathogenic for Pseudo-Hurler polydystrophy; Mucolipidosis type II. Last evaluated: 2023-09-20. Review status: criteria provided, single submitter. Criteria: Invitae Variant Classification Sherloc (09022015). Collection method: clinical testing. Allele origin: germline.
Comment: ClinVar contains an entry for this variant (Variation ID: 1453051). This premature translational stop signal has been observed in individuals with clinical features of mucolipidosis II (PMID: 27239697, 27662472). This variant is present in population databases (no rsID available, gnomAD 0.002%). This sequence change creates a premature translational stop signal (p.Ser738*) in the GNPTAB gene. It is expected to result in an absent or disrupted protein product. Loss-of-function variants in GNPTAB are known to be pathogenic (PMID: 19617216, 25107912). For these reasons, this variant has been classified as Pathogenic.

Literature cited by the submitters: PubMed 27662472 (cited by Natera, Inc. and Labcorp Genetics (formerly Invitae), Labcorp); PubMed 27239697 (cited by Natera, Inc. and Labcorp Genetics (formerly Invitae), Labcorp); PubMed 19617216 (cited by Labcorp Genetics (formerly Invitae), Labcorp); PubMed 25107912 (cited by Labcorp Genetics (formerly Invitae), Labcorp).

NM_024312.5(GNPTAB):c.2213C>A (p.Ser738Ter)

Gene: GNPTAB (N-acetylglucosamine-1-phosphate transferase subunits alpha and beta; minus strand). Cytogenetic location: 12q23.2.
Variant type: single nucleotide variant.
Coding change: c.2213C>A on transcript NM_024312.5 (MANE Select); coding-DNA position 2213, C replaced by A.
Protein change: p.Ser738Ter; replaces serine 738 with a stop codon.
Molecular consequence: nonsense.
Genome position (GRCh38, 1-based): chr12:101,764,704, G>T on the plus strand (C>A on the coding strand, the complement: GNPTAB is on the minus strand). VCF-style: chr12-101764704-G-T. GRCh37 (hg19) VCF-style: chr12-102158482-G-T.
Other names: c.2213C>A (NM_024312.4); short protein forms S738*.
Identifiers: ClinVar variation 1453051 (VCV001453051.10), dbSNP rs1298654156, ClinGen allele CA386298747.